The following is an entry in ClinVar:

ClinVar aggregate classification (germline): Uncertain significance (1 of 4 stars; one submission).

Conditions:
Gastrointestinal stromal tumor. Also called: Gastrointestinal stroma tumor; Gastrointestinal stromal tumor, somatic. Identifiers: Orphanet 44890, MedGen C0238198, MeSH D046152, MONDO:0011719, OMIM 606764, HP:0100723.

Submission:

Labcorp Genetics (formerly Invitae), Labcorp
Classification: Uncertain significance for Gastrointestinal stromal tumor. Last evaluated: 2022-04-28. Review status: criteria provided, single submitter. Criteria: Invitae Variant Classification Sherloc (09022015). Collection method: clinical testing. Allele origin: germline.
Comment: Algorithms developed to predict the effect of missense changes on protein structure and function (SIFT, PolyPhen-2, Align-GVGD) all suggest that this variant is likely to be tolerated. In summary, the available evidence is currently insufficient to determine the role of this variant in disease. Therefore, it has been classified as a Variant of Uncertain Significance. This variant has not been reported in the literature in individuals affected with PDGFRA-related conditions. This variant is not present in population databases (gnomAD no frequency). This sequence change replaces threonine, which is neutral and polar, with alanine, which is neutral and non-polar, at codon 281 of the PDGFRA protein (p.Thr281Ala).

NM_006206.6(PDGFRA):c.841A>G (p.Thr281Ala)

Gene: PDGFRA (platelet derived growth factor receptor alpha; plus strand). Cytogenetic location: 4q12.
Variant type: single nucleotide variant.
Coding change: c.841A>G on transcript NM_006206.6 (MANE Select); coding-DNA position 841, A replaced by G.
Protein change: p.Thr281Ala; replaces threonine 281 with alanine.
Molecular consequence: missense variant.
Genome position (GRCh38, 1-based): chr4:54,267,370, A>G. VCF-style: chr4-54267370-A-G. GRCh37 (hg19) VCF-style: chr4-55133537-A-G.
Other names: c.841A>G, p.Thr281Ala (NM_001347827.2, NM_001347829.2); c.916A>G, p.Thr306Ala (NM_001347828.2); c.880A>G, p.Thr294Ala (NM_001347830.2); short protein forms T281A, T306A, T294A.
Identifiers: ClinVar variation 1360100 (VCV001360100.8), dbSNP rs2110265018, ClinGen allele CA356891220.